The following is an entry in ClinVar:

NM_001349253.2(SCN11A):c.429C>A (p.Cys143Ter)

Gene: SCN11A (sodium voltage-gated channel alpha subunit 11; minus strand). Cytogenetic location: 3p22.2.
Variant type: single nucleotide variant.
Coding change: c.429C>A on transcript NM_001349253.2 (MANE Select); coding-DNA position 429, C replaced by A.
Protein change: p.Cys143Ter; replaces cysteine 143 with a stop codon.
Molecular consequence: nonsense.
Genome position (GRCh38, 1-based): chr3:38,945,470, G>T on the plus strand (C>A on the coding strand, the complement: SCN11A is on the minus strand). VCF-style: chr3-38945470-G-T. GRCh37 (hg19) VCF-style: chr3-38986961-G-T.
Other names: c.429C>A, p.Cys143Ter (NM_014139.3); short protein forms C143*.
Identifiers: ClinVar variation 569593 (VCV000569593.5), dbSNP rs1429601834, ClinGen allele CA352175365.

ClinVar aggregate classification (germline): Uncertain significance (1 of 4 stars; one submission).

Conditions:
Familial episodic pain syndrome with predominantly lower limb involvement. Also called: Episodic pain syndrome, familial, 3. Identifiers: Orphanet 391384, Orphanet 391392, MedGen C3809899, MONDO:0014247, OMIM 615552.
Hereditary sensory and autonomic neuropathy type 7. Also called: Neuropathy, hereditary sensory and autonomic, type VII; HSAN VII. Identifiers: Orphanet 391397, MedGen C3809882, MONDO:0014244, OMIM 615548.

Submission:

Labcorp Genetics (formerly Invitae), Labcorp
Classification: Uncertain significance for Familial episodic pain syndrome with predominantly lower limb involvement; Hereditary sensory and autonomic neuropathy type 7. Last evaluated: 2018-06-09. Review status: criteria provided, single submitter. Criteria: Invitae Variant Classification Sherloc (09022015). Collection method: clinical testing. Allele origin: germline.
Comment: This sequence change creates a premature translational stop signal (p.Cys143*) in the SCN11A gene. It is expected to result in an absent or disrupted protein product. In summary, the available evidence is currently insufficient to determine the role of this variant in disease. Therefore, it has been classified as a Variant of Uncertain Significance. The current clinical and genetic evidence is not sufficient to establish whether loss-of-function variants in SCN11A cause disease. This variant has not been reported in the literature in individuals with SCN11A-related disease. This variant is not present in population databases (ExAC no frequency).